The following is an entry in ClinVar:

NM_001165963.4(SCN1A):c.1507A>G (p.Lys503Glu)

Gene: SCN1A (sodium voltage-gated channel alpha subunit 1; minus strand). Cytogenetic location: 2q24.3.
Variant type: single nucleotide variant.
Coding change: c.1507A>G on transcript NM_001165963.4 (MANE Select); coding-DNA position 1507, A replaced by G.
Protein change: p.Lys503Glu; replaces lysine 503 with glutamic acid.
Molecular consequence: missense variant. On other transcripts: 5 prime UTR variant (1), non-coding transcript variant (1).
Genome position (GRCh38, 1-based): chr2:166,045,198, T>C on the plus strand (A>G on the coding strand, the complement: SCN1A is on the minus strand). VCF-style: chr2-166045198-T-C. GRCh37 (hg19) VCF-style: chr2-166901708-T-C.
Other names: c.1507A>G, p.Lys503Glu (NM_001353948.2, NM_001353949.2, NM_001353950.2 and 7 more transcripts); c.1504A>G, p.Lys502Glu (NM_001353954.2, NM_001353955.2, NM_001353960.2); c.-919A>G (NM_001353961.2); short protein forms K502E, K503E.
Identifiers: ClinVar variation 4852679 (VCV004852679.2).

ClinVar aggregate classification (germline): Uncertain significance (1 of 4 stars; one submission).

gnomAD v4.1: 1 of 1,614,204 alleles (0.000062%); highest among the groups gnomAD compares: Non-Finnish European, 0.000085%; no homozygotes.

Submission:

Dasa
Classification: Uncertain significance. Last evaluated: 2025-04-06. Review status: criteria provided, single submitter. Criteria: DASA Assertion Criteria. Collection method: clinical testing. Allele origin: germline.
Comment: NM_001165963.4(SCN1A):c.1507A>G (p.Lys503Glu) is a missense variant that results in the substitution of lysine with glutamic acid. This variant is rare in population databases. The currently available literature and clinical evidence are not sufficient to establish a definitive association between this variant and the reported condition. Therefore, this variant is classified as a variant of uncertain significance.